The following is an entry in ClinVar:

ClinVar aggregate classification (germline): Uncertain significance. Review status: criteria provided, multiple submitters, no conflicts (2 of 4 stars). 2 submissions from 2 submitters: Uncertain significance (2). Last evaluated 2025-07-15.

Allele frequency attached by ClinVar (database versions not stated): gnomAD 0.00001; gnomAD exomes 0.00001 and 0.00002; ExAC 0.00002.
gnomAD v4.1: 14 of 1,613,448 alleles (0.00087%); highest among the groups gnomAD compares: African/African-American, 0.0013%; no homozygotes.

Submissions (2):

Ambry Genetics
Classification: Uncertain significance. Last evaluated: 2025-07-15. Review status: criteria provided, single submitter. Criteria: Ambry Variant Classification Scheme 2023. Collection method: clinical testing. Allele origin: germline.
Comment: The p.D352G variant (also known as c.1055A>G), located in coding exon 8 of the RECQL gene, results from an A to G substitution at nucleotide position 1055. The aspartic acid at codon 352 is replaced by glycine, an amino acid with similar properties. This amino acid position is well conserved in available vertebrate species. In addition, the in silico prediction for this alteration is inconclusive. Since supporting evidence is limited at this time, the clinical significance of this alteration remains unclear.

Labcorp Genetics (formerly Invitae), Labcorp
Classification: Uncertain significance. Last evaluated: 2024-03-07. Review status: criteria provided, single submitter. Criteria: Invitae Variant Classification Sherloc (09022015). Collection method: clinical testing. Allele origin: germline.
Comment: This sequence change replaces aspartic acid, which is acidic and polar, with glycine, which is neutral and non-polar, at codon 352 of the RECQL protein (p.Asp352Gly). This variant is present in population databases (rs771788478, gnomAD 0.007%). This variant has not been reported in the literature in individuals affected with RECQL-related conditions. ClinVar contains an entry for this variant (Variation ID: 1403185). Advanced modeling of protein sequence and biophysical properties (such as structural, functional, and spatial information, amino acid conservation, physicochemical variation, residue mobility, and thermodynamic stability) performed at Invitae indicates that this missense variant is not expected to disrupt RECQL protein function with a negative predictive value of 80%. Algorithms developed to predict the effect of sequence changes on RNA splicing suggest that this variant may disrupt the consensus splice site. In summary, the available evidence is currently insufficient to determine the role of this variant in disease. Therefore, it has been classified as a Variant of Uncertain Significance.

NM_002907.4(RECQL):c.1055A>G (p.Asp352Gly)

Gene: RECQL (RecQ like helicase; minus strand). Cytogenetic location: 12p12.1.
Variant type: single nucleotide variant.
Coding change: c.1055A>G on transcript NM_002907.4 (MANE Select); coding-DNA position 1055, A replaced by G.
Protein change: p.Asp352Gly; replaces aspartic acid 352 with glycine.
Molecular consequence: missense variant.
Genome position (GRCh38, 1-based): chr12:21,475,719, T>C on the plus strand (A>G on the coding strand, the complement: RECQL is on the minus strand). VCF-style: chr12-21475719-T-C. GRCh37 (hg19) VCF-style: chr12-21628653-T-C.
Other names: c.1055A>G, p.Asp352Gly (NM_032941.3); short protein forms D352G.
Identifiers: ClinVar variation 1403185 (VCV001403185.11), dbSNP rs771788478, ClinGen allele CA6478876.